The following is an entry in ClinVar:

NM_148897.3(SDR9C7):c.491G>A (p.Arg164His)

Gene: SDR9C7 (short chain dehydrogenase/reductase family 9C member 7; minus strand). Cytogenetic location: 12q13.3.
Variant type: single nucleotide variant.
Coding change: c.491G>A on transcript NM_148897.3 (MANE Select); coding-DNA position 491, G replaced by A.
Protein change: p.Arg164His; replaces arginine 164 with histidine.
Molecular consequence: missense variant.
Genome position (GRCh38, 1-based): chr12:56,930,295, C>T on the plus strand (G>A on the coding strand, the complement: SDR9C7 is on the minus strand). VCF-style: chr12-56930295-C-T. GRCh37 (hg19) VCF-style: chr12-57324079-C-T.
Other names: c.491G>A (NM_148897.2); short protein forms R164H.
Identifiers: ClinVar variation 1285439 (VCV001285439.6), dbSNP rs749798308, ClinGen allele CA6638156.

ClinVar aggregate classification (germline): Uncertain significance. Review status: criteria provided, multiple submitters, no conflicts (2 of 4 stars). 4 submissions from 4 submitters: Uncertain significance (4). Last evaluated 2024-01-16.

Conditions:
Ichthyosis, congenital, autosomal recessive 13. Identifiers: MedGen C4539772, MONDO:0033092, OMIM 617574.
Inborn genetic diseases. Identifiers: MedGen C0950123, MeSH D030342.

Allele frequency attached by ClinVar (database versions not stated): ExAC 0.00001; gnomAD 0.00002; TOPMed 0.00002; gnomAD exomes 0.00005.
gnomAD v4.1: 29 of 1,614,058 alleles (0.0018%); highest among the groups gnomAD compares: Admixed American, 0.01%; no homozygotes.

Submissions (4):

Ambry Genetics
Classification: Uncertain significance for Inborn genetic diseases. Last evaluated: 2024-01-16. Review status: criteria provided, single submitter. Criteria: Ambry Variant Classification Scheme 2023. Collection method: clinical testing. Allele origin: germline.

Institute of Human Genetics, University of Leipzig Medical Center
Classification: Uncertain significance for Ichthyosis, congenital, autosomal recessive 13. Last evaluated: 2020-11-04. Review status: criteria provided, single submitter. Criteria: ACMG Guidelines, 2015. Collection method: clinical testing. Allele origin: unknown. Affected: yes.
Comment: This variant was identified as compound heterozygous with NM_148897.3:c.551A>G.

GeneDx
Classification: Uncertain significance. Last evaluated: 2019-07-23. Review status: criteria provided, single submitter. Criteria: GeneDx Variant Classification Process June 2021. Collection method: clinical testing. Allele origin: germline. Affected: yes.
Comment: In silico analysis, which includes protein predictors and evolutionary conservation, supports a deleterious effect; Has not been previously published as pathogenic or benign to our knowledge

Juno Genomics, Hangzhou Juno Genomics, Inc
Classification: Uncertain significance for Ichthyosis, congenital, autosomal recessive 13. Review status: criteria provided, single submitter. Criteria: ACMG Guidelines, 2015. Collection method: clinical testing. Allele origin: germline. Affected: yes.
Comment: Absent from controls (or at extremely low frequency if recessive) in Genome Aggregation Database, Exome Sequencing Project, 1000 Genomes Project, or Exome Aggregation Consortium.;For recessive disorders, detected in trans with a pathogenic variant.;Patient's phenotype or family history is highly specific for a disease with a single genetic etiology.